The following is an entry in ClinVar:

ClinVar aggregate classification (germline): Uncertain significance (1 of 4 stars; one submission).

Allele frequency attached by ClinVar (database versions not stated): gnomAD 0.00001; gnomAD exomes 0.00002.
gnomAD v4.1: 24 of 1,613,958 alleles (0.0015%); highest among the groups gnomAD compares: Non-Finnish European, 0.002%; no homozygotes.

Submission:

CeGaT Center for Human Genetics Tuebingen
Classification: Uncertain significance. Last evaluated: 2023-09-01. Review status: criteria provided, single submitter. Criteria: CeGaT Center For Human Genetics Tuebingen Variant Classification Criteria Version 2. Collection method: clinical testing. Allele origin: germline. Affected: yes. Observed: 1 variant allele.
Comment: PPP1R21: PM2

NM_001135629.3(PPP1R21):c.1745G>T (p.Trp582Leu)

Gene: PPP1R21 (protein phosphatase 1 regulatory subunit 21; plus strand). Cytogenetic location: 2p16.3.
Variant type: single nucleotide variant.
Coding change: c.1745G>T on transcript NM_001135629.3 (MANE Select); coding-DNA position 1745, G replaced by T.
Protein change: p.Trp582Leu; replaces tryptophan 582 with leucine.
Molecular consequence: missense variant. On other transcripts: non-coding transcript variant (1).
Genome position (GRCh38, 1-based): chr2:48,498,545, G>T. VCF-style: chr2-48498545-G-T. GRCh37 (hg19) VCF-style: chr2-48725684-G-T.
Other names: c.1652G>T, p.Trp551Leu (NM_001193475.2); c.1745G>T, p.Trp582Leu (NM_152994.5); short protein forms W551L, W582L.
Identifiers: ClinVar variation 2650895 (VCV002650895.24), dbSNP rs1429334703, ClinGen allele CA346735285.